The following is an entry in ClinVar:

ClinVar aggregate classification (germline): Uncertain significance. Review status: criteria provided, multiple submitters, no conflicts (2 of 4 stars). 2 submissions from 2 submitters: Uncertain significance (2). Last evaluated 2022-05-05.

Conditions:
Progressive myoclonic epilepsy type 7. Identifiers: Orphanet 435438, MedGen C4015420, MONDO:0014521, OMIM 616187.

Submissions (2):

Labcorp Genetics (formerly Invitae), Labcorp
Classification: Uncertain significance for Progressive myoclonic epilepsy type 7. Last evaluated: 2022-05-05. Review status: criteria provided, single submitter. Criteria: Invitae Variant Classification Sherloc (09022015). Collection method: clinical testing. Allele origin: germline.
Comment: This sequence change replaces arginine, which is basic and polar, with histidine, which is basic and polar, at codon 59 of the KCNC1 protein (p.Arg59His). ClinVar contains an entry for this variant (Variation ID: 1302178). This variant has not been reported in the literature in individuals affected with KCNC1-related conditions. This variant is not present in population databases (gnomAD no frequency). In summary, the available evidence is currently insufficient to determine the role of this variant in disease. Therefore, it has been classified as a Variant of Uncertain Significance. Advanced modeling of protein sequence and biophysical properties (such as structural, functional, and spatial information, amino acid conservation, physicochemical variation, residue mobility, and thermodynamic stability) performed at Invitae indicates that this missense variant is expected to disrupt KCNC1 protein function.

GeneDx
Classification: Uncertain significance. Last evaluated: 2019-03-19. Review status: criteria provided, single submitter. Criteria: GeneDx Variant Classification Process June 2021. Collection method: clinical testing. Allele origin: germline. Affected: yes.
Comment: Not observed in large population cohorts (Lek et al., 2016); In silico analysis, which includes protein predictors and evolutionary conservation, supports a deleterious effect; Has not been previously published as pathogenic or benign to our knowledge

NM_001112741.2(KCNC1):c.176G>A (p.Arg59His)

Gene: KCNC1 (potassium voltage-gated channel subfamily C member 1; plus strand). Cytogenetic location: 11p15.1.
Variant type: single nucleotide variant.
Coding change: c.176G>A on transcript NM_001112741.2 (MANE Select); coding-DNA position 176, G replaced by A.
Protein change: p.Arg59His; replaces arginine 59 with histidine.
Molecular consequence: missense variant.
Genome position (GRCh38, 1-based): chr11:17,736,178, G>A. VCF-style: chr11-17736178-G-A. GRCh37 (hg19) VCF-style: chr11-17757725-G-A.
Other names: c.176G>A, p.Arg59His (NM_004976.4); short protein forms R59H.
Identifiers: ClinVar variation 1302178 (VCV001302178.6), dbSNP rs2133774134, ClinGen allele CA379799419.